The following is an entry in ClinVar:

NM_003872.3(NRP2):c.2345G>C (p.Gly782Ala)

Gene: NRP2 (neuropilin 2; plus strand). Cytogenetic location: 2q33.3.
Variant type: single nucleotide variant.
Coding change: c.2345G>C on transcript NM_003872.3 (MANE Select); coding-DNA position 2345, G replaced by C.
Protein change: p.Gly782Ala; replaces glycine 782 with alanine.
Molecular consequence: missense variant.
Genome position (GRCh38, 1-based): chr2:205,765,511, G>C. VCF-style: chr2-205765511-G-C. GRCh37 (hg19) VCF-style: chr2-206630235-G-C.
Other names: c.2345G>C, p.Gly782Ala (NM_018534.4, NM_201266.2, NM_201267.2 and 1 more transcripts); short protein forms G782A.
Identifiers: ClinVar variation 4993455 (VCV004993455.1).

ClinVar aggregate classification (germline): Uncertain significance (1 of 4 stars; one submission).

Conditions:
NRP2-related disorder. Also called: NRP2-related condition.

Submission:

PreventionGenetics, part of Exact Sciences
Classification: Uncertain significance for NRP2-related condition. Last evaluated: 2026-06-29. Review status: criteria provided, single submitter. Criteria: ACMG Guidelines, 2015. Collection method: clinical testing. Allele origin: germline.
Comment: The NRP2 c.2345G>C variant is predicted to result in the amino acid substitution p.Gly782Ala. To our knowledge, this variant has not been reported in the literature or in a large population database (gnomAD), indicating this variant is rare. At this time, the clinical significance of this variant is uncertain due to the absence of conclusive functional and genetic evidence.